The following is an entry in ClinVar:

NM_032776.3(JMJD1C):c.3271A>C (p.Ser1091Arg)

Gene: JMJD1C (jumonji domain containing 1C; minus strand). Cytogenetic location: 10q21.3.
Variant type: single nucleotide variant.
Coding change: c.3271A>C on transcript NM_032776.3 (MANE Select); coding-DNA position 3271, A replaced by C.
Protein change: p.Ser1091Arg; replaces serine 1091 with arginine.
Molecular consequence: missense variant. On other transcripts: non-coding transcript variant (1).
Genome position (GRCh38, 1-based): chr10:63,208,398, T>G on the plus strand (A>C on the coding strand, the complement: JMJD1C is on the minus strand). VCF-style: chr10-63208398-T-G. GRCh37 (hg19) VCF-style: chr10-64968158-T-G.
Other names: c.2725A>C, p.Ser909Arg (NM_001282948.2, NM_001318154.2); c.2407A>C, p.Ser803Arg (NM_001318153.2); c.3157A>C, p.Ser1053Arg (NM_001322252.2); c.2614A>C, p.Ser872Arg (NM_001322254.2, NM_001322258.2); short protein forms S1091R, S909R, S1053R, S803R, S872R.
Identifiers: ClinVar variation 577010 (VCV000577010.8), dbSNP rs1369753710, ClinGen allele CA377042353.

ClinVar aggregate classification (germline): Uncertain significance (1 of 4 stars; one submission).

Conditions:
Early Myoclonic Encephalopathy. Identifiers: MedGen C0270855.

Allele frequency attached by ClinVar (database versions not stated): TOPMed 0.00001; gnomAD 0.00001; gnomAD exomes 0.00001.
gnomAD v4.1: 18 of 1,613,926 alleles (0.0011%); highest among the groups gnomAD compares: African/African-American, 0.0027%; no homozygotes.

Submission:

Labcorp Genetics (formerly Invitae), Labcorp
Classification: Uncertain significance for Early Myoclonic Encephalopathy. Last evaluated: 2022-07-19. Review status: criteria provided, single submitter. Criteria: Invitae Variant Classification Sherloc (09022015). Collection method: clinical testing. Allele origin: germline.
Comment: In summary, the available evidence is currently insufficient to determine the role of this variant in disease. Therefore, it has been classified as a Variant of Uncertain Significance. Algorithms developed to predict the effect of missense changes on protein structure and function are either unavailable or do not agree on the potential impact of this missense change (SIFT: "Deleterious"; PolyPhen-2: "Probably Damaging"; Align-GVGD: "Class C0"). This sequence change replaces serine, which is neutral and polar, with arginine, which is basic and polar, at codon 1091 of the JMJD1C protein (p.Ser1091Arg). This variant is present in population databases (no rsID available, gnomAD 0.01%). This variant has not been reported in the literature in individuals affected with JMJD1C-related conditions. ClinVar contains an entry for this variant (Variation ID: 577010).